The following is an entry in ClinVar:

ClinVar aggregate classification (germline): Uncertain significance. Review status: criteria provided, single submitter (1 of 4 stars). 2 submissions from 2 submitters: Uncertain significance (1). 1 of the submissions does not count toward it. Last evaluated 2023-09-05.

Conditions:
Usher syndrome type 2A. Also called: RETINAL DISEASE IN USHER SYNDROME TYPE IIA, MODIFIER OF; USHER SYNDROME, TYPE IIA. Identifiers: Orphanet 231178, Orphanet 886, MedGen C1848634, MONDO:0010169, OMIM 276901.

Allele frequency attached by ClinVar (database versions not stated): gnomAD 0.00001; TOPMed 0.00001.
gnomAD v4.1: 1 of 1,613,398 alleles (0.000062%); highest among the groups gnomAD compares: East Asian, 0.0022%; no homozygotes.

Submissions (2):

Labcorp Genetics (formerly Invitae), Labcorp
Classification: Uncertain significance. Last evaluated: 2023-09-05. Review status: criteria provided, single submitter. Criteria: Invitae Variant Classification Sherloc (09022015). Collection method: clinical testing. Allele origin: germline.
Comment: This sequence change replaces serine, which is neutral and polar, with proline, which is neutral and non-polar, at codon 300 of the USH2A protein (p.Ser300Pro). This variant is not present in population databases (gnomAD no frequency). This variant has not been reported in the literature in individuals affected with USH2A-related conditions. Advanced modeling of protein sequence and biophysical properties (such as structural, functional, and spatial information, amino acid conservation, physicochemical variation, residue mobility, and thermodynamic stability) performed at Invitae indicates that this missense variant is not expected to disrupt USH2A protein function. In summary, the available evidence is currently insufficient to determine the role of this variant in disease. Therefore, it has been classified as a Variant of Uncertain Significance.

Natera, Inc.
Classification: Uncertain significance for Usher syndrome type 2A. Last evaluated: 2025-04-30. Review status: no assertion criteria provided. Collection method: clinical testing. Allele origin: germline. Not counted in ClinVar's aggregate classification.

NM_206933.4(USH2A):c.898T>C (p.Ser300Pro)

Gene: USH2A (usherin; minus strand). Cytogenetic location: 1q41.
Variant type: single nucleotide variant.
Coding change: c.898T>C on transcript NM_206933.4 (MANE Select); coding-DNA position 898, T replaced by C.
Protein change: p.Ser300Pro; replaces serine 300 with proline.
Molecular consequence: missense variant.
Genome position (GRCh38, 1-based): chr1:216,325,550, A>G on the plus strand (T>C on the coding strand, the complement: USH2A is on the minus strand). VCF-style: chr1-216325550-A-G. GRCh37 (hg19) VCF-style: chr1-216498892-A-G.
Other names: c.898T>C (NM_206933.2); c.898T>C, p.Ser300Pro (NM_007123.6); short protein forms S300P.
Identifiers: ClinVar variation 2905744 (VCV002905744.2), dbSNP rs1483965400, ClinGen allele CA344912678.